The following is an entry in ClinVar:

NM_031889.3(ENAM):c.*256G>A

Gene: ENAM (enamelin; plus strand). Cytogenetic location: 4q13.3.
Variant type: single nucleotide variant.
Coding change: c.*256G>A on transcript NM_031889.3 (MANE Select); 256 bases downstream of the stop codon, G replaced by A.
Molecular consequence: 3 prime UTR variant.
Genome position (GRCh38, 1-based): chr4:70,645,111, G>A. VCF-style: chr4-70645111-G-A. GRCh37 (hg19) VCF-style: chr4-71510828-G-A.
Other names: c.*256G>A (NM_001368133.1).
Identifiers: ClinVar variation 905059 (VCV000905059.4), dbSNP rs117342040, ClinGen allele CA99036878.

ClinVar aggregate classification (germline): Likely benign (1 of 4 stars; one submission).

Conditions:
Amelogenesis imperfecta (AI). Also called: Congenital enamel hypoplasia. Identifiers: Orphanet 88661, MedGen C0002452, MONDO:0019507, HP:0000705.

Allele frequency attached by ClinVar (database versions not stated): gnomAD 0.00061 and 0.00099; TOPMed 0.00114; gnomAD exomes 0.00366; 1000 Genomes Project 0.00479; 1000 Genomes Project 30x 0.00484.
gnomAD v4.1: 1,475 of 529,120 alleles (0.28%); highest among the groups gnomAD compares: East Asian, 4%; 24 homozygotes.

Submission:

Illumina Laboratory Services, Illumina
Classification: Likely benign for Amelogenesis imperfecta. Last evaluated: 2018-01-12. Review status: criteria provided, single submitter. Criteria: ICSL Variant Classification Criteria 13 December 2019. Collection method: clinical testing. Allele origin: germline.
Comment: This variant was observed in the ICSL laboratory as part of a predisposition screen in an ostensibly healthy population. It had not been previously curated by ICSL or reported in the Human Gene Mutation Database (HGMD: prior to June 1st, 2018), and was therefore a candidate for classification through an automated scoring system. Utilizing variant allele frequency, disease prevalence and penetrance estimates, and inheritance mode, an automated score was calculated to assess if this variant is too frequent to cause the disease. Based on the score and internal cut-off values, a variant classified as likely benign is not then subjected to further curation. The score for this variant resulted in a classification of likely benign for this disease.